The following is an entry in ClinVar:

ClinVar aggregate classification (germline): Uncertain significance. Review status: criteria provided, multiple submitters, no conflicts (2 of 4 stars). 2 submissions from 2 submitters: Uncertain significance (2). Last evaluated 2025-12-10.

Conditions:
Norman-Roberts syndrome (LIS2). Also called: Lissencephaly 2 (Norman-Roberts type). Identifiers: Orphanet 89844, MedGen C0796089, MONDO:0009760, OMIM 257320.
Familial temporal lobe epilepsy 7. Identifiers: Orphanet 101046, MedGen C4225327, MONDO:0014639, OMIM 616436.
Inborn genetic diseases. Identifiers: MedGen C0950123, MeSH D030342.

Submissions (2):

Ambry Genetics
Classification: Uncertain significance for Inborn genetic diseases. Last evaluated: 2025-12-10. Review status: criteria provided, single submitter. Criteria: Ambry Variant Classification Scheme 2023. Collection method: clinical testing. Allele origin: germline.

Labcorp Genetics (formerly Invitae), Labcorp
Classification: Uncertain significance for Familial temporal lobe epilepsy 7; Norman-Roberts syndrome. Last evaluated: 2021-03-03. Review status: criteria provided, single submitter. Criteria: Invitae Variant Classification Sherloc (09022015). Collection method: clinical testing. Allele origin: germline.
Comment: In summary, the available evidence is currently insufficient to determine the role of this variant in disease. Therefore, it has been classified as a Variant of Uncertain Significance. Algorithms developed to predict the effect of missense changes on protein structure and function output the following: SIFT: "Tolerated"; PolyPhen-2: "Benign"; Align-GVGD: "Class C0". The glycine amino acid residue is found in multiple mammalian species, suggesting that this missense change does not adversely affect protein function. These predictions have not been confirmed by published functional studies and their clinical significance is uncertain. This variant has not been reported in the literature in individuals with RELN-related conditions. This variant is not present in population databases (ExAC no frequency). This sequence change replaces alanine with glycine at codon 292 of the RELN protein (p.Ala292Gly). The alanine residue is highly conserved and there is a small physicochemical difference between alanine and glycine.

NM_005045.4(RELN):c.875C>G (p.Ala292Gly)

Gene: RELN (reelin; minus strand). Cytogenetic location: 7q22.1.
Variant type: single nucleotide variant.
Coding change: c.875C>G on transcript NM_005045.4 (MANE Select); coding-DNA position 875, C replaced by G.
Protein change: p.Ala292Gly; replaces alanine 292 with glycine.
Molecular consequence: missense variant.
Genome position (GRCh38, 1-based): chr7:103,700,937, G>C on the plus strand (C>G on the coding strand, the complement: RELN is on the minus strand). VCF-style: chr7-103700937-G-C. GRCh37 (hg19) VCF-style: chr7-103341384-G-C.
Other names: c.875C>G, p.Ala292Gly (NM_173054.3); c.875C>G (NM_005045.3); short protein forms A292G.
Identifiers: ClinVar variation 1490363 (VCV001490363.9), dbSNP rs138975479, ClinGen allele CA368927995.